The following is an entry in ClinVar:

ClinVar aggregate classification (germline): Likely benign (1 of 4 stars; one submission).

Conditions:
Hirschsprung disease, susceptibility to, 3. Identifiers: Orphanet 388, MedGen C3150974, MONDO:0013383, OMIM 613711.

Allele frequency attached by ClinVar (database versions not stated): 1000 Genomes Project 30x 0.00172; 1000 Genomes Project 0.00200; TOPMed 0.00257; gnomAD 0.00263 and 0.00266.

Submission:

Illumina Laboratory Services, Illumina
Classification: Likely benign for Hirschsprung disease, susceptibility to, 3. Last evaluated: 2018-01-13. Review status: criteria provided, single submitter. Criteria: ICSL Variant Classification Criteria 13 December 2019. Collection method: clinical testing. Allele origin: germline.
Comment: This variant was observed in the ICSL laboratory as part of a predisposition screen in an ostensibly healthy population. It had not been previously curated by ICSL or reported in the Human Gene Mutation Database (HGMD: prior to June 1st, 2018), and was therefore a candidate for classification through an automated scoring system. Utilizing variant allele frequency, disease prevalence and penetrance estimates, and inheritance mode, an automated score was calculated to assess if this variant is too frequent to cause the disease. Based on the score and internal cut-off values, a variant classified as likely benign is not then subjected to further curation. The score for this variant resulted in a classification of likely benign for this disease.

NM_000514.4(GDNF):c.*2150T>G

Gene: GDNF (glial cell derived neurotrophic factor; minus strand). Cytogenetic location: 5p13.2.
Variant type: single nucleotide variant.
Coding change: c.*2150T>G on transcript NM_000514.4 (MANE Select); 2150 bases downstream of the stop codon, T replaced by G.
Molecular consequence: 3 prime UTR variant.
Genome position (GRCh38, 1-based): chr5:37,813,501, A>C on the plus strand (T>G on the coding strand, the complement: GDNF is on the minus strand). VCF-style: chr5-37813501-A-C. GRCh37 (hg19) VCF-style: chr5-37813603-A-C.
Other names: c.*2150T>G (NM_001190468.1, NM_001190469.1, NM_001278098.1 and 1 more transcripts).
Identifiers: ClinVar variation 907021 (VCV000907021.4), dbSNP rs181589663, ClinGen allele CA11926733.